The following is an entry in ClinVar:

NM_002439.5(MSH3):c.2216A>G (p.Asn739Ser)

Gene: MSH3 (mutS homolog 3; plus strand). Cytogenetic location: 5q14.1.
Variant type: single nucleotide variant.
Coding change: c.2216A>G on transcript NM_002439.5 (MANE Select); coding-DNA position 2216, A replaced by G.
Protein change: p.Asn739Ser; replaces asparagine 739 with serine.
Molecular consequence: missense variant.
Genome position (GRCh38, 1-based): chr5:80,768,966, A>G. VCF-style: chr5-80768966-A-G. GRCh37 (hg19) VCF-style: chr5-80064785-A-G.
Other names: c.2216A>G (NM_002439.3); short protein forms N739S.
Identifiers: ClinVar variation 846740 (VCV000846740.10), dbSNP rs1744170972, ClinGen allele CA360279678.

ClinVar aggregate classification (germline): Uncertain significance. Review status: criteria provided, multiple submitters, no conflicts (2 of 4 stars). 2 submissions from 2 submitters: Uncertain significance (2). Last evaluated 2025-10-05.

Conditions:
Hereditary cancer-predisposing syndrome. Also called: Tumor predisposition; Hereditary neoplastic syndrome; Neoplastic Syndromes, Hereditary; Hereditary Cancer Syndrome. Identifiers: Orphanet 140162, MedGen C0027672, MeSH D009386, MONDO:0015356.

Submissions (2):

Ambry Genetics
Classification: Uncertain significance for Hereditary cancer-predisposing syndrome. Last evaluated: 2025-10-05. Review status: criteria provided, single submitter. Criteria: Ambry Variant Classification Scheme 2023. Collection method: clinical testing. Allele origin: germline.
Comment: The p.N739S variant (also known as c.2216A>G), located in coding exon 15 of the MSH3 gene, results from an A to G substitution at nucleotide position 2216. The asparagine at codon 739 is replaced by serine, an amino acid with highly similar properties. This amino acid position is conserved. In addition, this alteration is predicted to be tolerated by in silico analysis. Based on the available evidence, the clinical significance of this variant remains unclear.

Labcorp Genetics (formerly Invitae), Labcorp
Classification: Uncertain significance. Last evaluated: 2024-08-31. Review status: criteria provided, single submitter. Criteria: Invitae Variant Classification Sherloc (09022015). Collection method: clinical testing. Allele origin: germline.
Comment: This sequence change replaces asparagine, which is neutral and polar, with serine, which is neutral and polar, at codon 739 of the MSH3 protein (p.Asn739Ser). This variant is not present in population databases (gnomAD no frequency). This variant has not been reported in the literature in individuals affected with MSH3-related conditions. ClinVar contains an entry for this variant (Variation ID: 846740). An algorithm developed to predict the effect of missense changes on protein structure and function (PolyPhen-2) suggests that this variant is likely to be tolerated. In summary, the available evidence is currently insufficient to determine the role of this variant in disease. Therefore, it has been classified as a Variant of Uncertain Significance.